The following is an entry in ClinVar:

NM_024675.4(PALB2):c.3022C>T (p.Pro1008Ser)

Gene: PALB2 (partner and localizer of BRCA2; minus strand). Cytogenetic location: 16p12.2.
Variant type: single nucleotide variant.
Coding change: c.3022C>T on transcript NM_024675.4 (MANE Select); coding-DNA position 3022, C replaced by T.
Protein change: p.Pro1008Ser; replaces proline 1008 with serine.
Molecular consequence: missense variant.
Genome position (GRCh38, 1-based): chr16:23,621,453, G>A on the plus strand (C>T on the coding strand, the complement: PALB2 is on the minus strand). VCF-style: chr16-23621453-G-A. GRCh37 (hg19) VCF-style: chr16-23632774-G-A.
Other names: short protein forms P1008S.
Identifiers: ClinVar variation 1493385 (VCV001493385.4), dbSNP rs1555459407, ClinGen allele CA395143112.

ClinVar aggregate classification (germline): Uncertain significance (1 of 4 stars; one submission).

Conditions:
Familial cancer of breast. Also called: BREAST CANCER, FAMILIAL; Hereditary breast cancer; hereditary breast carcinoma. Identifiers: Orphanet 227535, MedGen C0346153, MONDO:0016419, OMIM 114480. Disease mechanism: loss of function.

Submission:

Labcorp Genetics (formerly Invitae), Labcorp
Classification: Uncertain significance for Familial cancer of breast. Last evaluated: 2021-09-04. Review status: criteria provided, single submitter. Criteria: Invitae Variant Classification Sherloc (09022015). Collection method: clinical testing. Allele origin: germline.
Comment: This sequence change replaces proline with serine at codon 1008 of the PALB2 protein (p.Pro1008Ser). The proline residue is highly conserved and there is a moderate physicochemical difference between proline and serine. This variant is not present in population databases (ExAC no frequency). This variant has not been reported in the literature in individuals affected with PALB2-related conditions. Algorithms developed to predict the effect of missense changes on protein structure and function output the following: SIFT: "Tolerated"; PolyPhen-2: "Benign"; Align-GVGD: "Class C0". The serine amino acid residue is found in multiple mammalian species, which suggests that this missense change does not adversely affect protein function. In summary, the available evidence is currently insufficient to determine the role of this variant in disease. Therefore, it has been classified as a Variant of Uncertain Significance.